The following is an entry in ClinVar:

NM_001166108.2(PALLD):c.2461C>T (p.Pro821Ser)

Genes: CBR4 (carbonyl reductase 4; minus strand), PALLD (palladin, cytoskeletal associated protein; plus strand). Cytogenetic location: 4q32.3.
Variant type: single nucleotide variant.
Coding change: c.2461C>T on transcript NM_001166108.2 (MANE Select); coding-DNA position 2461, C replaced by T.
Protein change: p.Pro821Ser; replaces proline 821 with serine.
Molecular consequence: missense variant.
Genome position (GRCh38, 1-based): chr4:168,898,703, C>T. VCF-style: chr4-168898703-C-T. GRCh37 (hg19) VCF-style: chr4-169819854-C-T.
Other names: c.1264C>T, p.Pro422Ser (NM_001166109.2); c.949C>T, p.Pro317Ser (NM_001166110.2); c.289C>T, p.Pro97Ser (NM_001367567.1, NM_001367569.1); c.340C>T, p.Pro114Ser (NM_001367568.1, NM_001367570.1); c.2410C>T, p.Pro804Ser (NM_016081.4); short protein forms P114S, P422S, P97S, P821S, P317S, P804S.
Identifiers: ClinVar variation 4130448 (VCV004130448.1).
Genomic context (GRCh38, chr4:168,898,703, plus strand): 5'-AAACATTACAAGATCTTTGAGGGAATGCCAGTAACTTTCACATGTAGAGTGGCTGGAAAT[C>T]CAAAGCCAAAGGTGAGCTGGGAGATGGAGGCTTTTTAAGAGTCATTCTCTGAGGAAAGGT-3'
Protein context (NP_001159580.1, residues 811-831): VTFTCRVAGN[Pro821Ser]KPKIYWFKDG

ClinVar aggregate classification (germline): Uncertain significance (1 of 4 stars; one submission).

Submission:

Ambry Genetics
Classification: Uncertain significance. Last evaluated: 2025-08-25. Review status: criteria provided, single submitter. Criteria: Ambry Variant Classification Scheme 2023. Collection method: clinical testing. Allele origin: germline.
Comment: The p.P317S variant (also known as c.949C>T), located in coding exon 4 of the PALLD gene, results from a C to T substitution at nucleotide position 949. The proline at codon 317 is replaced by serine, an amino acid with similar properties. This amino acid position is conserved. In addition, this alteration is predicted to be deleterious by in silico analysis. Based on the available evidence, the clinical significance of this variant remains unclear.